The following is an entry in ClinVar:

NM_012463.4(ATP6V0A2):c.1486G>A (p.Ala496Thr)

Gene: ATP6V0A2 (ATPase H+ transporting V0 subunit a2; plus strand). Cytogenetic location: 12q24.31.
Variant type: single nucleotide variant.
Coding change: c.1486G>A on transcript NM_012463.4 (MANE Select); coding-DNA position 1486, G replaced by A.
Protein change: p.Ala496Thr; replaces alanine 496 with threonine.
Molecular consequence: missense variant.
Genome position (GRCh38, 1-based): chr12:123,744,756, G>A. VCF-style: chr12-123744756-G-A. GRCh37 (hg19) VCF-style: chr12-124229303-G-A.
Other names: short protein forms A496T.
Identifiers: ClinVar variation 166708 (VCV000166708.53), dbSNP rs143142641, ClinGen allele CA208571.

ClinVar aggregate classification (germline): Conflicting classifications of pathogenicity. Review status: criteria provided, conflicting classifications (1 of 4 stars). 10 submissions from 10 submitters: Uncertain significance (1); Benign (2); Likely benign (4). 3 of the submissions do not count toward it. Last evaluated 2026-01-27.

Conditions:
ATP6V0A2-related disorder. Also called: ATP6V0A2-related condition.
Inborn genetic diseases. Identifiers: MedGen C0950123, MeSH D030342.
ALG9 congenital disorder of glycosylation (CDG1L). Also called: CDG Il; CONGENITAL DISORDER OF GLYCOSYLATION, TYPE Il; ALG9-CDG. Identifiers: Orphanet 79328, MedGen C2931006, MONDO:0012117, OMIM 608776.
Cutis laxa with osteodystrophy (ARCL2A). Also called: Debré-Type Cutis Laxa; CUTIS LAXA, AUTOSOMAL RECESSIVE, TYPE IIA; CUTIS LAXA WITH BONE DYSTROPHY; CUTIS LAXA WITH GROWTH AND DEVELOPMENTAL DELAY; CUTIS LAXA WITH JOINT LAXITY AND RETARDED DEVELOPMENT; CUTIS LAXA WITH CONGENITAL DISORDER OF GLYCOSYLATION. Identifiers: Orphanet 357058, MedGen C0268355, MONDO:0018163, OMIM 219200. Disease mechanism: loss of function.

Allele frequency attached by ClinVar (database versions not stated): gnomAD 0.00035 and 0.00052; ExAC 0.00133; gnomAD exomes 0.00118; 1000 Genomes Project 0.00160; TOPMed 0.00031; 1000 Genomes Project 30x 0.00141.
gnomAD v4.1: 1,205 of 1,614,146 alleles (0.075%); highest among the groups gnomAD compares: South Asian, 0.66%; 13 homozygotes.

Submissions (10):

Labcorp Genetics (formerly Invitae), Labcorp
Classification: Benign for ALG9 congenital disorder of glycosylation. Last evaluated: 2026-01-27. Review status: criteria provided, single submitter. Criteria: Invitae Variant Classification Sherloc (09022015). Collection method: clinical testing. Allele origin: germline.

CeGaT Center for Human Genetics Tuebingen
Classification: Likely benign. Last evaluated: 2025-08-01. Review status: criteria provided, single submitter. Criteria: CeGaT Center For Human Genetics Tuebingen Variant Classification Criteria Version 2. Collection method: clinical testing. Allele origin: germline. Affected: yes. Observed: 5 variant alleles.
Comment: ATP6V0A2: BP4, BS2

Ambry Genetics
Classification: Likely benign for Inborn genetic diseases. Last evaluated: 2023-09-08. Review status: criteria provided, single submitter. Criteria: Ambry Variant Classification Scheme 2023. Collection method: clinical testing. Allele origin: germline.

GeneDx
Classification: Benign. Last evaluated: 2020-09-24. Review status: criteria provided, single submitter. Criteria: GeneDx Variant Classification Process June 2021. Collection method: clinical testing. Allele origin: germline. Affected: yes.

Illumina Laboratory Services, Illumina
Classification: Likely benign for Cutis laxa with osteodystrophy. Last evaluated: 2018-01-13. Review status: criteria provided, single submitter. Criteria: ICSL Variant Classification Criteria 13 December 2019. Collection method: clinical testing. Allele origin: germline.
Comment: This variant was observed in the ICSL laboratory as part of a predisposition screen in an ostensibly healthy population. It had not been previously curated by ICSL or reported in the Human Gene Mutation Database (HGMD: prior to June 1st, 2018), and was therefore a candidate for classification through an automated scoring system. Utilizing variant allele frequency, disease prevalence and penetrance estimates, and inheritance mode, an automated score was calculated to assess if this variant is too frequent to cause the disease. Based on the score and internal cut-off values, a variant classified as likely benign is not then subjected to further curation. The score for this variant resulted in a classification of likely benign for this disease.

Genetic Services Laboratory, University of Chicago
Classification: Likely benign. Last evaluated: 2016-11-16. Review status: criteria provided, single submitter. Criteria: ACMG Guidelines, 2015. Collection method: clinical testing. Allele origin: germline. Affected: no.

Eurofins Ntd Llc (ga)
Classification: Uncertain significance. Last evaluated: 2014-03-10. Review status: criteria provided, single submitter. Criteria: EGL Classification Definitions 2015. Collection method: clinical testing. Allele origin: germline. Observed: 1 variant allele, 1 heterozygote.

PreventionGenetics, part of Exact Sciences
Classification: Likely benign for ATP6V0A2-related condition. Last evaluated: 2019-09-27. Review status: no assertion criteria provided. Collection method: clinical testing. Allele origin: germline. Not counted in ClinVar's aggregate classification.
Comment: This variant is classified as likely benign based on ACMG/AMP sequence variant interpretation guidelines (Richards et al. 2015 PMID: 25741868, with internal and published modifications).

Clinical Genetics DNA and cytogenetics Diagnostics Lab, Erasmus MC, Erasmus Medical Center
Classification: Likely benign. Review status: no assertion criteria provided. Collection method: clinical testing. Allele origin: germline. Affected: yes. Study: VKGL Data-share Consensus. Not counted in ClinVar's aggregate classification.

Laboratory of Diagnostic Genome Analysis, Leiden University Medical Center (LUMC)
Classification: Likely benign. Review status: no assertion criteria provided. Collection method: clinical testing. Allele origin: germline. Affected: yes. Study: VKGL Data-share Consensus. Not counted in ClinVar's aggregate classification.